The following is an entry in ClinVar:

NM_001136472.2(LITAF):c.377+1760C>T

Gene: LITAF (lipopolysaccharide induced TNF factor; minus strand). Cytogenetic location: 16p13.13.
Variant type: single nucleotide variant.
Coding change: c.377+1760C>T on transcript NM_001136472.2 (MANE Select); 1760 bases into the intron after coding-DNA position 377, C replaced by T.
Molecular consequence: intron variant. On other transcripts: missense variant (1).
Genome position (GRCh38, 1-based): chr16:11,551,773, G>A on the plus strand (C>T on the coding strand, the complement: LITAF is on the minus strand). VCF-style: chr16-11551773-G-A. GRCh37 (hg19) VCF-style: chr16-11645629-G-A.
Other names: c.409C>T, p.Arg137Cys (NM_001136473.1); c.377+1760C>T (NM_004862.4); short protein forms R137C.
Identifiers: ClinVar variation 677272 (VCV000677272.4), dbSNP rs57456743, ClinGen allele CA7904062.
Genomic context (GRCh38, chr16:11,551,773, plus strand): 5'-TCCCAGGTACTCAGGAGGCTGAGCTGGGCGGATTGCAGGAGCCCAGGAGATCAAAGCTGC[G>A]GAGAGCTACGATCGTACCACTGCACTCCTGCCTGGACAACAGAGCAAGACTCAGCCTCAA-3'

ClinVar aggregate classification (germline): Benign. Review status: criteria provided, multiple submitters, no conflicts (2 of 4 stars). 3 submissions from 3 submitters: Benign (2). 1 of the submissions does not count toward it. Last evaluated 2018-06-16.

Conditions:
LITAF-related disorder. Also called: LITAF-related condition.

Allele frequency attached by ClinVar (database versions not stated): gnomAD exomes 0.01115 and 0.01193; ExAC 0.01327; gnomAD 0.04691 and 0.05035; 1000 Genomes Project 0.04972; 1000 Genomes Project 30x 0.05294; TOPMed 0.05369.
gnomAD v4.1: 13,439 of 684,700 alleles (2%); highest among the groups gnomAD compares: African/African-American, 14%; 617 homozygotes.

Submissions (3):

GeneDx
Classification: Benign. Last evaluated: 2018-06-16. Review status: criteria provided, single submitter. Criteria: GeneDx Variant Classification (06012015). Collection method: clinical testing. Allele origin: germline. Affected: yes.
Comment: This variant is considered likely benign or benign based on one or more of the following criteria: it is a conservative change, it occurs at a poorly conserved position in the protein, it is predicted to be benign by multiple in silico algorithms, and/or has population frequency not consistent with disease.

Breakthrough Genomics
Classification: Benign. Review status: criteria provided, single submitter. Criteria: ACMG Guidelines, 2015. Collection method: not provided. Allele origin: germline. Inheritance: Autosomal dominant inheritance. Affected: yes.

PreventionGenetics, part of Exact Sciences
Classification: Benign for LITAF-related condition. Last evaluated: 2019-05-10. Review status: no assertion criteria provided. Collection method: clinical testing. Allele origin: germline. Not counted in ClinVar's aggregate classification.
Comment: This variant is classified as benign based on ACMG/AMP sequence variant interpretation guidelines (Richards et al. 2015 PMID: 25741868, with internal and published modifications).